The following is an entry in ClinVar:

NM_024675.4(PALB2):c.2164_2165delinsAT (p.Asp722Ile)

Gene: PALB2 (partner and localizer of BRCA2; minus strand). Cytogenetic location: 16p12.2.
Variant type: Indel.
Coding change: c.2164_2165delinsAT on transcript NM_024675.4 (MANE Select); coding-DNA positions 2164 to 2165, GA replaced by AT.
Protein change: p.Asp722Ile; replaces aspartic acid 722 with isoleucine.
Molecular consequence: missense variant.
Genome position (GRCh38, 1-based): chr16:23,629,989-23,629,990, TC replaced by AT on the plus strand (GA replaced by AT on the coding strand, the reverse complement: PALB2 is on the minus strand). VCF-style: chr16-23629989-TC-AT. GRCh37 (hg19) VCF-style: chr16-23641310-TC-AT.
Other names: short protein forms D722I.
Identifiers: ClinVar variation 1374876 (VCV001374876.7), dbSNP rs2142379399, ClinGen allele CA2573152217.

ClinVar aggregate classification (germline): Uncertain significance (1 of 4 stars; one submission).

Conditions:
Familial cancer of breast. Also called: Hereditary breast cancer; BREAST CANCER, FAMILIAL; hereditary breast carcinoma. Identifiers: Orphanet 227535, MedGen C0346153, MONDO:0016419, OMIM 114480. Disease mechanism: loss of function.

Submission:

Labcorp Genetics (formerly Invitae), Labcorp
Classification: Uncertain significance for Familial cancer of breast. Last evaluated: 2021-08-14. Review status: criteria provided, single submitter. Criteria: Invitae Variant Classification Sherloc (09022015). Collection method: clinical testing. Allele origin: germline.
Comment: This variant, c.2164_2165delinsAT, is a complex sequence change that results in a missense change in the PALB2 protein (p.Asp722Ile). The frequency data for this variant in the population databases is not available, as this variant may be reported as separate entries in the ExAC database. This variant has not been reported in the literature in individuals affected with PALB2-related conditions. Algorithms developed to predict the effect of missense changes on protein structure and function are either unavailable or do not agree on the potential impact of this missense change (SIFT: "Not Available"; PolyPhen-2: "Possibly Damaging"; Align-GVGD: "Not Available"). In summary, the available evidence is currently insufficient to determine the role of this variant in disease. Therefore, it has been classified as a Variant of Uncertain Significance.